The following is an entry in ClinVar:

ClinVar aggregate classification (germline): Uncertain significance (1 of 4 stars; one submission).

Conditions:
Developmental and epileptic encephalopathy 94 (DEE94). Also called: CHD2-Related Neurodevelopmental Disorders; Epileptic encephalopathy, childhood-onset. Identifiers: Orphanet 1942, Orphanet 2382, MedGen C3809278, MONDO:0014150, OMIM 615369.

Submission:

Labcorp Genetics (formerly Invitae), Labcorp
Classification: Uncertain significance for Developmental and epileptic encephalopathy 94. Last evaluated: 2024-10-31. Review status: criteria provided, single submitter. Criteria: Invitae Variant Classification Sherloc (09022015). Collection method: clinical testing. Allele origin: germline.
Comment: This sequence change falls in intron 20 of the CHD2 gene. It does not directly change the encoded amino acid sequence of the CHD2 protein. It affects a nucleotide within the consensus splice site. This variant is not present in population databases (gnomAD no frequency). This variant has not been reported in the literature in individuals affected with CHD2-related conditions. Variants that disrupt the consensus splice site are a relatively common cause of aberrant splicing (PMID: 17576681, 9536098). Algorithms developed to predict the effect of sequence changes on RNA splicing suggest that this variant is not likely to affect RNA splicing. In summary, the available evidence is currently insufficient to determine the role of this variant in disease. Therefore, it has been classified as a Variant of Uncertain Significance.

Literature cited by the submitters: PubMed 17576681; PubMed 9536098.

NM_001271.4(CHD2):c.2577+5A>G

Gene: CHD2 (chromodomain helicase DNA binding protein 2; plus strand). Cytogenetic location: 15q26.1.
Variant type: single nucleotide variant.
Coding change: c.2577+5A>G on transcript NM_001271.4 (MANE Select); 5 bases into the intron after coding-DNA position 2577, A replaced by G.
Molecular consequence: intron variant.
Genome position (GRCh38, 1-based): chr15:92,974,955, A>G. VCF-style: chr15-92974955-A-G. GRCh37 (hg19) VCF-style: chr15-93518185-A-G.
Identifiers: ClinVar variation 3676213 (VCV003676213.2).